The following continues an entry in ClinVar:

NM_007294.4(BRCA1):c.5153-2del

Gene: BRCA1. ClinVar aggregate classification (germline): Pathogenic. Pathogenic (13).

Submissions 8 to 19 of 19:

New York Genome Center
Classification: Pathogenic for Breast-ovarian cancer, familial, susceptibility to, 1. Last evaluated: 2022-09-09. Review status: criteria provided, single submitter. Criteria: NYGC Assertion Criteria 2020. Collection method: clinical testing. Allele origin: inherited. Observed: 1 heterozygote. Study: PrenatalSEQ.
Comment: The c.5153-2del variant (also known as 5272-2delA and IVS18-2delA) in BRCA1 has previously been reported in individuals with Hereditary breast and ovarian cancer (HBOC) [PMID: 11102986, 23110154, 28888541, 30787465] and it has been deposited in ClinVar [ClinVar ID: 55431] as Pathogenic for HBOC by multiple submitters. The c.5153-2del variant is absent from population databases (gnomAD v2.1.1 and v3.1.2, TOPMed Freeze 8, All of Us), suggesting it is not a common benign variant in the populations represented in those databases.The c.5153-2del variant in BRCA1 is located in the canonical splice acceptor site of exon 18 of this 22-exon gene. It was demonstrated to result in skipping of exon 18, causing a frameshift and premature incorporation of termination codon (p.Trp1718SerfsTer1) [PMID: 12393792, 23239986]. Other variants affecting the same canonical splice acceptor site have also been reported in the literature in individuals with HBOC [PMID: 32596782]. Based on available evidence this inherited heterozygous c.5153-2del variant identified in BRCA1 is classified as Pathogenic.

GeneDx
Classification: Pathogenic. Last evaluated: 2022-09-06. Review status: criteria provided, single submitter. Criteria: GeneDx Variant Classification Process June 2021. Collection method: clinical testing. Allele origin: germline. Affected: yes.
Comment: Canonical splice site variant demonstrated to cause abnormal splicing resulting in a null allele in a gene for which loss-of-function is a known mechanism of disease (Perrin-Vidoz 2002, Wappenschmidt 2012); Observed in individuals with a personal or family history consistent with pathogenic variants in this gene (Kiechle 2000, Sinilnikova 2006, Pern 2012, Kang 2015); Not observed at significant frequency in large population cohorts (gnomAD); Also known as 5272-2del or IVS18-2del; This variant is associated with the following publications: (PMID: 25863477, 23239986, 16528604, 20104584, 28888541, 12393792, 11102986, 23110154, 26187060, 16685647, 11802209, 17694537, 14760071, 16267036, 30787465)

Fulgent Genetics
Classification: Pathogenic for Familial cancer of breast; Breast-ovarian cancer, familial, susceptibility to, 1; Pancreatic cancer, susceptibility to, 4; Fanconi anemia, complementation group S. Last evaluated: 2022-05-25. Review status: criteria provided, single submitter. Criteria: ACMG Guidelines, 2015. Collection method: clinical testing. Allele origin: unknown.

Women's Health and Genetics/Laboratory Corporation of America, LabCorp
Classification: Pathogenic for Hereditary breast ovarian cancer syndrome. Last evaluated: 2021-07-22. Review status: criteria provided, single submitter. Criteria: LabCorp Variant Classification Summary - May 2015. Collection method: clinical testing. Allele origin: germline.
Comment: Variant summary: BRCA1 c.5153-2delA is located in a canonical splice-site and is predicted to affect mRNA splicing resulting in a significantly altered protein due to either exon skipping, shortening, or inclusion of intronic material. Several computational tools predict a significant impact on normal splicing: Four predict the variant abolishes a 3 acceptor site which is also supported by a functional study (Wappenschmidt_2012). The variant was absent in 250880 control chromosomes (gnomAD). c.5153-2delA has been reported in the literature in multiple individuals affected with Hereditary Breast and Ovarian Cancer Syndrome (example: Judkins_2005, Grushko_2004, Kiechle_2002, Pern_2012, Perrin-Vidoz_2002, Wappenschmidt_2012, Rebbeck_2018) These data indicate that the variant is very likely to be associated with disease. Eight other ClinVar submitters (evaluation after 2018) cite the variant as pathogenic. Based on the evidence outlined above, the variant was classified as pathogenic.

Laboratory for Molecular Medicine, Mass General Brigham Personalized Medicine
Classification: Pathogenic for Hereditary breast ovarian cancer syndrome. Last evaluated: 2017-01-27. Review status: criteria provided, single submitter. Criteria: LMM Criteria. Collection method: clinical testing. Allele origin: germline. Observed: 1 variant allele.
Comment: The c.5153-2delA variant in BRCA1 has been identified 9 individuals with BCRA1-a ssociated cancers and segregated with disease in 4 affected relatives from 1 fam ily (Kiechle 2000; Breast Cancer Information Core (BIC) database). It was also a bsent from large population studies. This variant is a deletion of one nucleotid e in the invariant region (+/- 1,2) of the splice consensus sequence and is pred icted to cause altered splicing leading to an abnormal or absent protein. In sum mary, this variant meets criteria to be classified as pathogenic for hereditary breast and ovarian cancer (HBOC) in an autosomal dominant manner.

Consortium of Investigators of Modifiers of BRCA1/2 (CIMBA), c/o University of Cambridge
Classification: Pathogenic for Breast-ovarian cancer, familial, susceptibility to, 1. Last evaluated: 2015-10-02. Review status: criteria provided, single submitter. Criteria: CIMBA Mutation Classification guidelines May 2016. Collection method: clinical testing. Allele origin: germline.

PreventionGenetics, part of Exact Sciences
Classification: Pathogenic for BRCA1-related condition. Last evaluated: 2024-03-20. Review status: no assertion criteria provided. Collection method: clinical testing. Allele origin: germline. Not counted in ClinVar's aggregate classification.
Comment: The BRCA1 c.5153-2delA variant is predicted to result in a deletion affecting a canonical splice site. This variant has been reported in multiple individuals with breast cancer (Kiechle et al.. 2000. PubMed ID: 11102986; Pern et al., 2012. PubMed ID: 23110154). This variant has also been referred to as c.5272-2delA or IVS18-2delA in literature. RT-PCR analysis demonstrated that this variant cause exon 19 skipping, which is predicted to lead to a coding frameshift and premature protein truncation (Wappenschmidt et al., 2012. PubMed ID: 23239986). Multiple clinical labs have also interpreted this variant as pathogenic in the ClinVar database. This variant is interpreted as pathogenic.

German Consortium for Hereditary Breast and Ovarian Cancer, University Hospital Cologne
Classification: Pathogenic for Ovarian neoplasm. Last evaluated: 2018-12-01. Review status: no assertion criteria provided. Collection method: research. Allele origin: germline. Affected: yes. Not counted in ClinVar's aggregate classification.

Counsyl
Classification: Pathogenic for Breast-ovarian cancer, familial, susceptibility to, 1. Last evaluated: 2016-04-07. Review status: no assertion criteria provided. Collection method: clinical testing. Allele origin: unknown. Not counted in ClinVar's aggregate classification.

Research Molecular Genetics Laboratory, Women's College Hospital, University of Toronto
Classification: Pathogenic for Hereditary breast ovarian cancer syndrome. Last evaluated: 2014-01-31. Review status: no assertion criteria provided. Collection method: research. Allele origin: germline. Affected: yes. Study: The Canadian Open Genetics Repository (COGR). Not counted in ClinVar's aggregate classification.

Sharing Clinical Reports Project (SCRP)
Classification: Pathogenic for Breast-ovarian cancer, familial 1. Last evaluated: 2010-08-10. Review status: no assertion criteria provided. Collection method: clinical testing. Allele origin: germline. Not counted in ClinVar's aggregate classification.

Breast Cancer Information Core (BIC) (BRCA1)
Classification: Pathogenic for Breast-ovarian cancer, familial 1. Last evaluated: 2002-05-29. Review status: no assertion criteria provided. Collection method: clinical testing. Allele origin: germline. Affected: yes. Observed: 8 variant alleles. Not counted in ClinVar's aggregate classification.

Literature cited by the submitters: PubMed 11102986 (cited by 5 submitters); PubMed 12393792 (cited by 5 submitters); PubMed 16528604 (cited by Labcorp Genetics (formerly Invitae), Labcorp and Ambry Genetics); PubMed 23110154 (cited by 5 submitters); PubMed 23239986 (cited by 5 submitters); PubMed 25863477 (cited by 4 submitters); PubMed 28888541 (cited by Labcorp Genetics (formerly Invitae), Labcorp and New York Genome Center); PubMed 24667779 (cited by Labcorp Genetics (formerly Invitae), Labcorp); PubMed 29446198 (cited by Ambry Genetics and Women's Health and Genetics/Laboratory Corporation of America, LabCorp); PubMed 14760071 (cited by Color Diagnostics, LLC DBA Color Health and Women's Health and Genetics/Laboratory Corporation of America, LabCorp); PubMed 33273034 (cited by Color Diagnostics, LLC DBA Color Health); PubMed 33471991 (cited by Color Diagnostics, LLC DBA Color Health); PubMed 30787465 (cited by New York Genome Center); PubMed 16267036 (cited by Women's Health and Genetics/Laboratory Corporation of America, LabCorp).